The following is an entry in ClinVar:

ClinVar aggregate classification (germline): Pathogenic (1 of 4 stars; one submission).

Conditions:
Hereditary breast ovarian cancer syndrome. Also called: BRCA1- and BRCA2-Associated Hereditary Breast and Ovarian Cancer; Hereditary breast and ovarian cancer syndrome; Hereditary breast and ovarian cancer syndrome (HBOC); Hereditary breast and/or ovarian cancer syndrome; Breast and ovarian cancer; Hereditary breast and ovarian cancer. Identifiers: Orphanet 145, MedGen C0677776, MeSH D061325, MONDO:0003582. Disease mechanism: loss of function.

Submission:

Labcorp Genetics (formerly Invitae), Labcorp
Classification: Pathogenic for Hereditary breast ovarian cancer syndrome. Last evaluated: 2018-10-16. Review status: criteria provided, single submitter. Criteria: Invitae Variant Classification Sherloc (09022015). Collection method: clinical testing. Allele origin: germline.
Comment: For these reasons, this variant has been classified as Pathogenic. Loss-of-function variants in BRCA1 are known to be pathogenic (PMID: 20104584). Similar deletions of exons 3-7 have been reported in individuals affected with a personal and/or family history of breast and/or ovarian cancer (PMID: 16724249, 20727672). This variant is an out-of-frame deletion of the genomic region encompassing exons 3-7 of the BRCA1 gene. This is expected to create a premature translational stop signal and result in an absent or disrupted protein product.

Literature cited by the submitters: PubMed 20104584; PubMed 16724249; PubMed 20727672.

NC_000017.11:g.(?_43099755)_(43115799_?)del

Gene: BRCA1 (BRCA1 DNA repair associated; minus strand). Cytogenetic location: 17q21.31.
Variant type: Deletion.
Identifiers: ClinVar variation 660701 (VCV000660701.3).